The following is an entry in ClinVar:

ClinVar aggregate classification (germline): Likely benign. Review status: criteria provided, multiple submitters, no conflicts (2 of 4 stars). 2 submissions from 2 submitters: Likely benign (2). Last evaluated 2025-12-22.

Conditions:
PRKAG2-related disorder. Also called: PRKAG2-related disorders; PRKAG2-related condition.
Lethal congenital glycogen storage disease of heart. Also called: GLYCOGEN STORAGE DISEASE OF HEART; PHOSPHORYLASE KINASE DEFICIENCY OF HEART. Identifiers: Orphanet 439854, MedGen C1849813, MONDO:0009867, OMIM 261740.

gnomAD v4.1: 12 of 1,587,968 alleles (0.00076%); highest among the groups gnomAD compares: African/African-American, 0.0054%; no homozygotes.

Submissions (2):

Labcorp Genetics (formerly Invitae), Labcorp
Classification: Likely benign for Lethal congenital glycogen storage disease of heart. Last evaluated: 2025-12-22. Review status: criteria provided, single submitter. Criteria: Invitae Variant Classification Sherloc (09022015). Collection method: clinical testing. Allele origin: germline.

PreventionGenetics, part of Exact Sciences
Classification: Likely benign for PRKAG2-related condition. Last evaluated: 2025-11-05. Review status: criteria provided, single submitter. Criteria: ACMG Guidelines, 2015. Collection method: clinical testing. Allele origin: germline.
Comment: This variant is classified as likely benign based on ACMG/AMP sequence variant interpretation guidelines (Richards et al. 2015 PMID: 25741868, with internal and published modifications).

NM_016203.4(PRKAG2):c.1106+9G>T

Gene: PRKAG2 (protein kinase AMP-activated non-catalytic subunit gamma 2; minus strand). Cytogenetic location: 7q36.1.
Variant type: single nucleotide variant.
Coding change: c.1106+9G>T on transcript NM_016203.4 (MANE Select); 9 bases into the intron after coding-DNA position 1106, G replaced by T.
Molecular consequence: intron variant.
Genome position (GRCh38, 1-based): chr7:151,570,162, C>A on the plus strand (G>T on the coding strand, the complement: PRKAG2 is on the minus strand). VCF-style: chr7-151570162-C-A. GRCh37 (hg19) VCF-style: chr7-151267248-C-A.
Other names: c.1106+9G>T (NM_016203.3); c.974+9G>T (NM_001040633.2); c.731+9G>T (NM_001304527.2); c.734+9G>T (NM_001363698.2); c.383+9G>T (NM_001304531.2, NM_024429.2).
Identifiers: ClinVar variation 1639924 (VCV001639924.9), dbSNP rs200429988, ClinGen allele CA053557.
Genomic context (GRCh38, chr7:151,570,162, plus strand): 5'-CTTTCTATCATGGTGATAAAACACATACATCTGAATGAATGTTTTCAAAGAAAAAAAAAA[C>A]AAGTTTACCTTGCATCTGGAGATATATTCACTAAAGGCTTAAATGTTTCTTGTAAATAAA-3'